The following is an entry in ClinVar:

NM_002473.6(MYH9):c.2839-3C>G

Genes: MYH9 (myosin heavy chain 9; minus strand), LOC126863137 (CDK7 strongly-dependent group 2 enhancer GRCh37_chr22:36696002-36697201; plus strand). Cytogenetic location: 22q12.3.
Variant type: single nucleotide variant.
Coding change: c.2839-3C>G on transcript NM_002473.6 (MANE Select); 3 bases into the intron before coding-DNA position 2839, C replaced by G.
Molecular consequence: intron variant.
Genome position (GRCh38, 1-based): chr22:36,300,267, G>C on the plus strand (C>G on the coding strand, the complement: MYH9 is on the minus strand). VCF-style: chr22-36300267-G-C. GRCh37 (hg19) VCF-style: chr22-36696313-G-C.
Identifiers: ClinVar variation 3639765 (VCV003639765.2).
Genomic context (GRCh38, chr22:36,300,267, plus strand): 5'-TCTCCAGCTGCAGCTTCTGCCGGGCGCTCTCCTCCTCCTCCAGCTGCTCCTCAAGCTCCT[G>C]CCGGGGGCCAGAGACACGGTAAGGACAGCAGGCCCAGAGGCATGGCCAAGGTGAAGGCAG-3'

ClinVar aggregate classification (germline): Uncertain significance (1 of 4 stars; one submission).

Submission:

Labcorp Genetics (formerly Invitae), Labcorp
Classification: Uncertain significance. Last evaluated: 2024-02-25. Review status: criteria provided, single submitter. Criteria: Invitae Variant Classification Sherloc (09022015). Collection method: clinical testing. Allele origin: germline.
Comment: This sequence change falls in intron 22 of the MYH9 gene. It does not directly change the encoded amino acid sequence of the MYH9 protein. It affects a nucleotide within the consensus splice site. This variant is not present in population databases (gnomAD no frequency). This variant has not been reported in the literature in individuals affected with MYH9-related conditions. Variants that disrupt the consensus splice site are a relatively common cause of aberrant splicing (PMID: 17576681, 9536098). Algorithms developed to predict the effect of sequence changes on RNA splicing suggest that this variant may disrupt the consensus splice site. In summary, the available evidence is currently insufficient to determine the role of this variant in disease. Therefore, it has been classified as a Variant of Uncertain Significance.

Literature cited by the submitters: PubMed 17576681; PubMed 9536098.